The following is an entry in ClinVar:

ClinVar aggregate classification (germline): Uncertain significance (1 of 4 stars; one submission).

Conditions:
Hereditary cancer-predisposing syndrome. Also called: Tumor predisposition; Hereditary neoplastic syndrome; Hereditary Cancer Syndrome; Neoplastic Syndromes, Hereditary. Identifiers: Orphanet 140162, MedGen C0027672, MeSH D009386, MONDO:0015356.

Submission:

Ambry Genetics
Classification: Uncertain significance for Hereditary cancer-predisposing syndrome. Last evaluated: 2025-05-18. Review status: criteria provided, single submitter. Criteria: Ambry Variant Classification Scheme 2023. Collection method: clinical testing. Allele origin: germline.
Comment: The p.G440D variant (also known as c.1319G>A), located in coding exon 12 of the TSC2 gene, results from a G to A substitution at nucleotide position 1319. The glycine at codon 440 is replaced by aspartic acid, an amino acid with similar properties. This amino acid position is conserved. In addition, the in silico prediction for this alteration is inconclusive. Based on the available evidence, the clinical significance of this variant remains unclear.

NM_000548.5(TSC2):c.1319G>A (p.Gly440Asp)

Gene: TSC2 (TSC complex subunit 2; plus strand). Cytogenetic location: 16p13.3.
Variant type: single nucleotide variant.
Coding change: c.1319G>A on transcript NM_000548.5 (MANE Select); coding-DNA position 1319, G replaced by A.
Protein change: p.Gly440Asp; replaces glycine 440 with aspartic acid.
Molecular consequence: missense variant. On other transcripts: 5 prime UTR variant (10), non-coding transcript variant (5).
Genome position (GRCh38, 1-based): chr16:2,062,558, G>A. VCF-style: chr16-2062558-G-A. GRCh37 (hg19) VCF-style: chr16-2112559-G-A.
Other names: c.1172G>A, p.Gly391Asp (NM_001318829.2, NM_001406675.1, NM_001406676.1 and 1 more transcripts); c.719G>A, p.Gly240Asp (NM_001318831.2, NM_001406680.1, NM_001406682.1 and 6 more transcripts); c.1352G>A, p.Gly451Asp (NM_001318832.2); c.1319G>A, p.Gly440Asp (NM_001363528.2, NM_001370404.1, NM_001370405.1 and 6 more transcripts); c.1208G>A, p.Gly403Asp (NM_001318827.2, NM_001406670.1, NM_001406678.1); c.857G>A, p.Gly286Asp (NM_001406681.1); c.-26G>A (NM_001406689.1, NM_001406690.1, NM_001406691.1 and 6 more transcripts); c.-202G>A (NM_001406698.1); and 3 more; short protein forms G391D, G436D, G286D, G470D, G240D, G403D, G421D, G440D.
Identifiers: ClinVar variation 3974605 (VCV003974605.1).